The following is an entry in ClinVar:

ClinVar aggregate classification (germline): Likely benign. Review status: criteria provided, multiple submitters, no conflicts (2 of 4 stars). 4 submissions from 4 submitters: Likely benign (3). 1 of the submissions does not count toward it. Last evaluated 2025-05-18.

Conditions:
Inborn genetic diseases. Identifiers: MedGen C0950123, MeSH D030342.
GLI3-related disorder. Also called: GLI3-related condition; GLI3-related disorders. Identifiers: MedGen CN239292.
Pallister-Hall syndrome (PHS). Also called: HYPOTHALAMIC HAMARTOBLASTOMA, HYPOPITUITARISM, IMPERFORATE ANUS, AND POSTAXIAL POLYDACTYLY; GLI3-Related Pallister-Hall Syndrome. Identifiers: Orphanet 672, MedGen C0265220, MONDO:0007804, OMIM 146510.
Greig cephalopolysyndactyly syndrome (GCPS). Also called: Greig syndrome; GLI3-Related Greig Cephalopolysyndactyly Syndrome; POLYSYNDACTYLY WITH PECULIAR SKULL SHAPE. Identifiers: Orphanet 380, MedGen C0265306, MONDO:0008287, OMIM 175700.

Allele frequency attached by ClinVar (database versions not stated): ExAC 0.00011; 1000 Genomes Project 30x 0.00031; ESP Exome Variant Server 0.00038; gnomAD 0.00038 and 0.00039; 1000 Genomes Project 0.00040; TOPMed 0.00051.

Submissions (4):

Labcorp Genetics (formerly Invitae), Labcorp
Classification: Likely benign for Pallister-Hall syndrome; Greig cephalopolysyndactyly syndrome. Last evaluated: 2025-05-18. Review status: criteria provided, single submitter. Criteria: Invitae Variant Classification Sherloc (09022015). Collection method: clinical testing. Allele origin: germline.

Blueprint Genetics
Classification: Likely benign. Last evaluated: 2024-07-18. Review status: criteria provided, single submitter. Criteria: ACMG Guidelines, 2015. Collection method: clinical testing. Allele origin: germline.

Ambry Genetics
Classification: Likely benign for Inborn genetic diseases. Last evaluated: 2023-08-04. Review status: criteria provided, single submitter. Criteria: Ambry Variant Classification Scheme 2023. Collection method: clinical testing. Allele origin: germline.

PreventionGenetics, part of Exact Sciences
Classification: Likely benign for GLI3-related condition. Last evaluated: 2022-08-02. Review status: no assertion criteria provided. Collection method: clinical testing. Allele origin: germline. Not counted in ClinVar's aggregate classification.
Comment: This variant is classified as likely benign based on ACMG/AMP sequence variant interpretation guidelines (Richards et al. 2015 PMID: 25741868, with internal and published modifications).

NM_000168.6(GLI3):c.4654A>C (p.Met1552Leu)

Gene: GLI3 (GLI family zinc finger 3; minus strand). Cytogenetic location: 7p14.1.
Variant type: single nucleotide variant.
Coding change: c.4654A>C on transcript NM_000168.6 (MANE Select); coding-DNA position 4654, A replaced by C.
Protein change: p.Met1552Leu; replaces methionine 1552 with leucine.
Molecular consequence: missense variant.
Genome position (GRCh38, 1-based): chr7:41,964,419, T>G on the plus strand (A>C on the coding strand, the complement: GLI3 is on the minus strand). VCF-style: chr7-41964419-T-G. GRCh37 (hg19) VCF-style: chr7-42004017-T-G.
Other names: short protein forms M1552L.
Identifiers: ClinVar variation 800169 (VCV000800169.15), dbSNP rs151254859, ClinGen allele CA4230080.
Genomic context (GRCh38, chr7:41,964,419, plus strand): 5'-CTTCCGCTAGGGAGGTCAGCAAAGAACTCATGTCCCCGATAGCCATGTTGGTGGTGCTCA[T>G]GGACAGCGCTGGGAATGGGAGGGACGCCCGAGGCGTGGTGAGGCGGGAGGAGCTATGGGA-3'
Protein context (NP_000159.3, residues 1542-1562): RASLPFPALS[Met1552Leu]STTNMAIGDM